The following is an entry in ClinVar:

ClinVar aggregate classification (germline): Uncertain significance. Review status: criteria provided, multiple submitters, no conflicts (2 of 4 stars). 2 submissions from 2 submitters: Uncertain significance (2). Last evaluated 2025-02-27.

Conditions:
Inborn genetic diseases. Identifiers: MedGen C0950123, MeSH D030342.

Allele frequency attached by ClinVar (database versions not stated): gnomAD 0.00001; TOPMed 0.00002; 1000 Genomes Project 30x 0.00016.
gnomAD v4.1: 10 of 972,572 alleles (0.001%); highest among the groups gnomAD compares: East Asian, 0.023%; no homozygotes.

Submissions (2):

GeneDx
Classification: Uncertain significance. Last evaluated: 2025-02-27. Review status: criteria provided, single submitter. Criteria: GeneDx Variant Classification Process June 2021. Collection method: clinical testing. Allele origin: germline. Affected: yes.
Comment: Has not been previously published as pathogenic or benign to our knowledge; In the absence of RNA/functional studies, the actual effect of this sequence change is unknown

Ambry Genetics
Classification: Uncertain significance for Inborn genetic diseases. Last evaluated: 2018-11-14. Review status: criteria provided, single submitter. Criteria: Ambry Variant Classification Scheme 2023. Collection method: clinical testing. Allele origin: germline.
Comment: The c.-5G>A variant is located in the 5' untranslated region (5&rsquo; UTR) of the EHMT1 gene. This variant results from a G to A substitution 5 bases upstream from the first translated codon. This nucleotide position is highly conserved in available vertebrate species. Since supporting evidence is limited at this time, the clinical significance of this alteration remains unclear.

NM_024757.5(EHMT1):c.-5G>A

Genes: EHMT1 (euchromatic histone lysine methyltransferase 1; plus strand), LOC130003135 (ATAC-STARR-seq lymphoblastoid silent region 20636; plus strand). Cytogenetic location: 9q34.3.
Variant type: single nucleotide variant.
Coding change: c.-5G>A on transcript NM_024757.5 (MANE Select); 5 bases upstream of the start codon, G replaced by A.
Molecular consequence: 5 prime UTR variant.
Genome position (GRCh38, 1-based): chr9:137,619,024, G>A. VCF-style: chr9-137619024-G-A. GRCh37 (hg19) VCF-style: chr9-140513476-G-A.
Other names: c.-5G>A (NM_001145527.2, NM_001354263.2, NM_001354611.2); c.-34G>A (NM_001354259.2, NM_001354612.2).
Identifiers: ClinVar variation 1751006 (VCV001751006.4), dbSNP rs1338472731, ClinGen allele CA861206857.